The following is an entry in ClinVar:

NM_031206.7(LAS1L):c.754G>A (p.Val252Met)

Gene: LAS1L (LAS1 like ribosome biogenesis factor; minus strand). Cytogenetic location: Xq12.
Variant type: single nucleotide variant.
Coding change: c.754G>A on transcript NM_031206.7 (MANE Select); coding-DNA position 754, G replaced by A.
Protein change: p.Val252Met; replaces valine 252 with methionine.
Molecular consequence: missense variant. On other transcripts: 5 prime UTR variant (1), non-coding transcript variant (1).
Genome position (GRCh38, 1-based): chrX:65,529,639, C>T on the plus strand (G>A on the coding strand, the complement: LAS1L is on the minus strand). VCF-style: chrX-65529639-C-T. GRCh37 (hg19) VCF-style: chrX-64749519-C-T.
Other names: c.754G>A, p.Val252Met (NM_001375330.1, NM_001375331.1, NM_001375333.1 and 7 more transcripts); c.-43G>A (NM_001375332.1); c.628G>A, p.Val210Met (NM_001170650.2); short protein forms V210M, V252M.
Identifiers: ClinVar variation 938360 (VCV000938360.11), dbSNP rs762043715, ClinGen allele CA10434029.

ClinVar aggregate classification (germline): Uncertain significance. Review status: criteria provided, multiple submitters, no conflicts (2 of 4 stars). 2 submissions from 2 submitters: Uncertain significance (2). Last evaluated 2025-04-03.

Conditions:
Wilson-Turner syndrome (WTS). Also called: MENTAL RETARDATION, X-LINKED, SYNDROMIC 6; INTELLECTUAL DEVELOPMENTAL DISORDER, X-LINKED, SYNDROMIC, WILSON-TURNER TYPE. Identifiers: Orphanet 3459, MedGen C1839736, MONDO:0010665, OMIM 309585.

Allele frequency attached by ClinVar (database versions not stated): gnomAD exomes below 0.00001 and 0.00001; ExAC 0.00001; TOPMed 0.00001; gnomAD 0.00007; 1000 Genomes Project 0.00026; 1000 Genomes Project 30x 0.00042.
gnomAD v4.1: 13 of 1,210,233 alleles (0.0011%); highest among the groups gnomAD compares: Admixed American, 0.028%; no homozygotes.

Submissions (2):

Ambry Genetics
Classification: Uncertain significance. Last evaluated: 2025-04-03. Review status: criteria provided, single submitter. Criteria: Ambry Variant Classification Scheme 2023. Collection method: clinical testing. Allele origin: germline.

Labcorp Genetics (formerly Invitae), Labcorp
Classification: Uncertain significance for Wilson-Turner syndrome. Last evaluated: 2025-03-03. Review status: criteria provided, single submitter. Criteria: Invitae Variant Classification Sherloc (09022015). Collection method: clinical testing. Allele origin: germline.
Comment: This sequence change replaces valine, which is neutral and non-polar, with methionine, which is neutral and non-polar, at codon 252 of the LAS1L protein (p.Val252Met). This variant is present in population databases (rs762043715, gnomAD 0.008%). This variant has not been reported in the literature in individuals affected with LAS1L-related conditions. ClinVar contains an entry for this variant (Variation ID: 938360). Invitae Evidence Modeling of protein sequence and biophysical properties (such as structural, functional, and spatial information, amino acid conservation, physicochemical variation, residue mobility, and thermodynamic stability) indicates that this missense variant is not expected to disrupt LAS1L protein function with a negative predictive value of 80%. In summary, the available evidence is currently insufficient to determine the role of this variant in disease. Therefore, it has been classified as a Variant of Uncertain Significance.